The following is an entry in ClinVar:

ClinVar aggregate classification (germline): Uncertain significance (1 of 4 stars; one submission).

Conditions:
Atrioventricular septal defect 5 (AVSD5). Identifiers: MedGen C3280939, MONDO:0013769, OMIM 614474.

Submission:

Labcorp Genetics (formerly Invitae), Labcorp
Classification: Uncertain significance for Atrioventricular septal defect 5. Last evaluated: 2022-04-18. Review status: criteria provided, single submitter. Criteria: Invitae Variant Classification Sherloc (09022015). Collection method: clinical testing. Allele origin: germline.
Comment: Algorithms developed to predict the effect of missense changes on protein structure and function output the following: SIFT: "Tolerated"; PolyPhen-2: "Benign"; Align-GVGD: "Class C0". The alanine amino acid residue is found in multiple mammalian species, which suggests that this missense change does not adversely affect protein function. This variant has not been reported in the literature in individuals affected with GATA6-related conditions. This variant is not present in population databases (gnomAD no frequency). This sequence change replaces threonine, which is neutral and polar, with alanine, which is neutral and non-polar, at codon 67 of the GATA6 protein (p.Thr67Ala). In summary, the available evidence is currently insufficient to determine the role of this variant in disease. Therefore, it has been classified as a Variant of Uncertain Significance.

NM_005257.6(GATA6):c.199A>G (p.Thr67Ala)

Gene: GATA6 (GATA binding protein 6; plus strand). Cytogenetic location: 18q11.2.
Variant type: single nucleotide variant.
Coding change: c.199A>G on transcript NM_005257.6 (MANE Select); coding-DNA position 199, A replaced by G.
Protein change: p.Thr67Ala; replaces threonine 67 with alanine.
Molecular consequence: missense variant.
Genome position (GRCh38, 1-based): chr18:22,171,343, A>G. VCF-style: chr18-22171343-A-G. GRCh37 (hg19) VCF-style: chr18-19751304-A-G.
Other names: short protein forms T67A.
Identifiers: ClinVar variation 2150948 (VCV002150948.4), dbSNP rs923229630, ClinGen allele CA297147343.